The following is an entry in ClinVar:

NM_006017.3(PROM1):c.376G>A (p.Val126Met)

Gene: PROM1 (prominin 1; minus strand). Cytogenetic location: 4p15.32.
Variant type: single nucleotide variant.
Coding change: c.376G>A on transcript NM_006017.3 (MANE Select); coding-DNA position 376, G replaced by A.
Protein change: p.Val126Met; replaces valine 126 with methionine.
Molecular consequence: missense variant.
Genome position (GRCh38, 1-based): chr4:16,033,437, C>T on the plus strand (G>A on the coding strand, the complement: PROM1 is on the minus strand). VCF-style: chr4-16033437-C-T. GRCh37 (hg19) VCF-style: chr4-16035060-C-T.
Other names: c.349G>A, p.Val117Met (NM_001145847.2, NM_001145848.2, NM_001145851.2 and 4 more transcripts); c.376G>A, p.Val126Met (NM_001145849.2, NM_001145850.2); short protein forms V117M, V126M.
Identifiers: ClinVar variation 901350 (VCV000901350.41), dbSNP rs199556426, ClinGen allele CA2867082.

ClinVar aggregate classification (germline): Conflicting classifications of pathogenicity. Review status: criteria provided, conflicting classifications (1 of 4 stars). 9 submissions from 6 submitters: Uncertain significance (4); Benign (1); Likely benign (4). Last evaluated 2025-11-11.

Conditions:
PROM1-related disorder. Also called: PROM1-related disorders; PROM1-related condition.
Stargardt disease 4 (STGD4). Identifiers: Orphanet 827, MedGen C1863534, MONDO:0011370, OMIM 603786.
Retinal macular dystrophy type 2 (MCDR2). Also called: Bull's eye macular dystrophy. Identifiers: Orphanet 319640, MedGen C4749334, MONDO:0011957, OMIM 608051.
Retinal dystrophy. Also called: Inherited retinal dystrophy. Identifiers: Orphanet 71862, MedGen C0854723, MeSH D058499, MONDO:0019118, HP:0000556.
Retinitis pigmentosa (RP). Identifiers: Orphanet 791, MedGen C0035334, MeSH D012174, MONDO:0019200, OMIM 268000. Inheritance: Autosomal dominant, autosomal recessive and X linked inheritance.
Cone-rod dystrophy 12 (CORD12). Identifiers: Orphanet 1872, MedGen C2675210, MONDO:0012983, OMIM 612657.

Allele frequency attached by ClinVar (database versions not stated): gnomAD 0.00009 and 0.00012; TOPMed 0.00009; ESP Exome Variant Server 0.00025; gnomAD exomes 0.00029; ExAC 0.00035.
gnomAD v4.1: 294 of 1,613,520 alleles (0.018%); highest among the groups gnomAD compares: South Asian, 0.18%; 2 homozygotes.

Submissions (9):

Labcorp Genetics (formerly Invitae), Labcorp
Classification: Likely benign. Last evaluated: 2025-11-11. Review status: criteria provided, single submitter. Criteria: Invitae Variant Classification Sherloc (09022015). Collection method: clinical testing. Allele origin: germline.

PreventionGenetics, part of Exact Sciences
Classification: Likely benign for PROM1-related condition. Last evaluated: 2025-05-21. Review status: criteria provided, single submitter. Criteria: ACMG Guidelines, 2015. Collection method: clinical testing. Allele origin: germline.
Comment: This variant is classified as likely benign based on ACMG/AMP sequence variant interpretation guidelines (Richards et al. 2015 PMID: 25741868, with internal and published modifications).

Blueprint Genetics
Classification: Likely benign. Last evaluated: 2024-11-06. Review status: criteria provided, single submitter. Criteria: ACMG Guidelines, 2015. Collection method: clinical testing. Allele origin: germline.

CeGaT Center for Human Genetics Tuebingen
Classification: Uncertain significance. Last evaluated: 2023-02-01. Review status: criteria provided, single submitter. Criteria: CeGaT Center For Human Genetics Tuebingen Variant Classification Criteria Version 2. Collection method: clinical testing. Allele origin: germline. Affected: yes. Observed: 1 variant allele.
Comment: PROM1: PM2, BP4

Institute of Human Genetics, Univ. Regensburg, Univ. Regensburg
Classification: Uncertain significance for Retinal dystrophy. Last evaluated: 2019-01-01. Review status: criteria provided, single submitter. Criteria: ACMG Guidelines, 2015. Collection method: clinical testing. Allele origin: germline. Affected: yes.

Illumina Laboratory Services, Illumina
Classification: Likely benign for Stargardt disease 4. Last evaluated: 2017-04-27. Review status: criteria provided, single submitter. Criteria: ICSL Variant Classification Criteria 13 December 2019. Collection method: clinical testing. Allele origin: germline.
Comment: This variant was observed as part of a predisposition screen in an ostensibly healthy population. A literature search was performed for the gene, cDNA change, and amino acid change (where applicable). No publications were found based on this search. Allele frequency data from public databases allowed determination this variant is unlikely to cause disease. Therefore, this variant is classified as likely benign.

Illumina Laboratory Services, Illumina
Classification: Uncertain significance for Retinitis pigmentosa. Last evaluated: 2017-04-27. Review status: criteria provided, single submitter. Criteria: ICSL Variant Classification Criteria 13 December 2019. Collection method: clinical testing. Allele origin: germline.

Illumina Laboratory Services, Illumina
Classification: Uncertain significance for Retinal macular dystrophy type 2. Last evaluated: 2017-04-27. Review status: criteria provided, single submitter. Criteria: ICSL Variant Classification Criteria 13 December 2019. Collection method: clinical testing. Allele origin: germline.

Illumina Laboratory Services, Illumina
Classification: Benign for Cone-rod dystrophy 12. Last evaluated: 2017-04-27. Review status: criteria provided, single submitter. Criteria: ICSL Variant Classification Criteria 13 December 2019. Collection method: clinical testing. Allele origin: germline.
Comment: This variant was observed as part of a predisposition screen in an ostensibly healthy population. A literature search was performed for the gene, cDNA change, and amino acid change (where applicable). No publications were found based on this search. Allele frequency data from public databases was too high to be consistent with this variant causing disease. Therefore, this variant is classified as benign.

Literature cited by the submitters: PubMed 26393467 (cited by Institute of Human Genetics, Univ. Regensburg, Univ. Regensburg); PubMed 3442652 (cited by Institute of Human Genetics, Univ. Regensburg, Univ. Regensburg).